The following is an entry in ClinVar:

ClinVar aggregate classification (germline): Uncertain significance (1 of 4 stars; one submission).

Submission:

GeneDx
Classification: Uncertain significance. Last evaluated: 2023-06-05. Review status: criteria provided, single submitter. Criteria: GeneDx Variant Classification Process June 2021. Collection method: clinical testing. Allele origin: germline. Affected: yes.
Comment: Not observed at significant frequency in large population cohorts (gnomAD); In silico analysis supports that this missense variant does not alter protein structure/function; Has not been previously published as pathogenic or benign to our knowledge

NM_001330288.2(SMARCC2):c.974C>T (p.Thr325Ile)

Gene: SMARCC2 (SWI/SNF related BAF chromatin remodeling complex subunit C2; minus strand). Cytogenetic location: 12q13.2.
Variant type: single nucleotide variant.
Coding change: c.974C>T on transcript NM_001330288.2 (MANE Select); coding-DNA position 974, C replaced by T.
Protein change: p.Thr325Ile; replaces threonine 325 with isoleucine.
Molecular consequence: missense variant.
Genome position (GRCh38, 1-based): chr12:56,181,084, G>A on the plus strand (C>T on the coding strand, the complement: SMARCC2 is on the minus strand). VCF-style: chr12-56181084-G-A. GRCh37 (hg19) VCF-style: chr12-56574868-G-A.
Other names: c.974C>T, p.Thr325Ile (NM_001130420.3, NM_003075.5, NM_139067.4); short protein forms T325I.
Identifiers: ClinVar variation 3359479 (VCV003359479.1).
Genomic context (GRCh38, chr12:56,181,084, plus strand): 5'-TCGTCCATGTCCTTTGTCAGGTCTTCTTGCTCCTCTTCTCTGTGGCCACGCTTTGACTTA[G>A]TGTAAGGTGTTGAGGGACTGGGAAGGAAAGAGAGTGAAAGAGAACCCAGTCATCCTTGGA-3'
Protein context (NP_001317217.1, residues 315-335): NAKKGPSTPY[Thr325Ile]KSKRGHREEE